The following is an entry in ClinVar:

ClinVar aggregate classification (germline): Uncertain significance (1 of 4 stars; one submission).

Allele frequency attached by ClinVar (database versions not stated): TOPMed below 0.00001.

Submission:

Women's Health and Genetics/Laboratory Corporation of America, LabCorp
Classification: Uncertain significance. Last evaluated: 2017-11-15. Review status: criteria provided, single submitter. Criteria: LabCorp Variant Classification Summary - May 2015. Collection method: clinical testing. Allele origin: germline.
Comment: Variant summary: The BLM c.2824-1066delA variant involves the alteration of a non-conserved deep intronic nucleotide. One in silico tool predicts a benign outcome for this variant. 2/5 splice prediction tools predict no significant impact on normal splicing. However, these predictions have yet to be confirmed by functional studies. This variant is absent in 30976 control chromosomes. The variant of interest has not, to our knowledge, been reported in affected individuals via publications and/or reputable databases/clinical diagnostic laboratories; nor evaluated for functional impact by in vivo/vitro studies. Because of the absence of clinical information and the lack of functional studies, the variant is classified as a variant of uncertain significance (VUS) until additional information becomes available.

NM_000057.4(BLM):c.2824-1066del

Gene: BLM (BLM RecQ like helicase; plus strand). Cytogenetic location: 15q26.1.
Variant type: Deletion.
Coding change: c.2824-1066del on transcript NM_000057.4 (MANE Select); 1066 bases into the intron before coding-DNA position 2824, one base deleted (A; older notation c.2824-1066delA).
Molecular consequence: intron variant.
Genome position (GRCh38, 1-based): chr15:90,789,583, A deleted. VCF-style (leftmost placement, unchanged base first): chr15-90789582-GA-G. GRCh37 (hg19) VCF-style: chr15-91332812-GA-G.
Other names: c.2824-1066del (LRG_20t1, NM_001287246.2, NM_001287247.2); c.1699-1066del (NM_001287248.2).
Identifiers: ClinVar variation 632672 (VCV000632672.1), dbSNP rs1567055836, ClinGen allele CA913190491.